The following is an entry in ClinVar:

ClinVar aggregate classification (germline): Pathogenic (1 of 4 stars; one submission).

Submission:

Labcorp Genetics (formerly Invitae), Labcorp
Classification: Pathogenic. Last evaluated: 2025-05-11. Review status: criteria provided, single submitter. Criteria: Invitae Variant Classification Sherloc (09022015). Collection method: clinical testing. Allele origin: germline.
Comment: This sequence change creates a premature translational stop signal (p.Val282Serfs*10) in the SLC34A2 gene. It is expected to result in an absent or disrupted protein product. Loss-of-function variants in SLC34A2 are known to be pathogenic (PMID: 16960801). This variant is present in population databases (rs758102711, gnomAD 0.004%). This variant has not been reported in the literature in individuals affected with SLC34A2-related conditions. For these reasons, this variant has been classified as Pathogenic.

Literature cited by the submitters: PubMed 16960801.

NM_006424.3(SLC34A2):c.843dup (p.Val282fs)

Gene: SLC34A2 (solute carrier family 34 member 2; plus strand). Cytogenetic location: 4p15.2.
Variant type: Duplication.
Coding change: c.843dup on transcript NM_006424.3 (MANE Select); coding-DNA position 843, one base duplicated (A; older notation c.843dupA).
Protein change: p.Val282fs; shifts the reading frame from valine 282.
Molecular consequence: frameshift variant.
Genome position (GRCh38, 1-based): chr4:25,670,749, A duplicated; the last of 6 consecutive A bases (chr4:25,670,744-25,670,749); duplicating any one gives the same sequence. VCF-style (leftmost placement, unchanged base first): chr4-25670743-T-TA. GRCh37 (hg19) VCF-style: chr4-25672365-T-TA.
Other names: c.840dup, p.Val281fs (NM_001177998.2, NM_001177999.2); short protein forms V282fs, V281fs.
Identifiers: ClinVar variation 4766436 (VCV004766436.1).
Genomic context (GRCh38, chr4:25,670,743, plus strand): 5'-GTCCTAAATCGGTTCTGAGGATATGCTGATGGTTTCCTGTCTACTGTTTCCACAGCTGGA[T>TA]AAAAAAGTTATCAGCCAAATTGCAATGAACGATGAAAAAGCGAAAAACAAGAGTCTTGTC-3'